The following is an entry in ClinVar:

NM_001360016.2(G6PD):c.373A>G (p.Met125Val)

Gene: G6PD (glucose-6-phosphate dehydrogenase; minus strand). Cytogenetic location: Xq28.
Variant type: single nucleotide variant.
Coding change: c.373A>G on transcript NM_001360016.2 (MANE Select); coding-DNA position 373, A replaced by G.
Protein change: p.Met125Val; replaces methionine 125 with valine.
Molecular consequence: missense variant.
Genome position (GRCh38, 1-based): chrX:154,535,280, T>C on the plus strand (A>G on the coding strand, the complement: G6PD is on the minus strand). VCF-style: chrX-154535280-T-C. GRCh37 (hg19) VCF-style: chrX-153763495-T-C.
Other names: p.Met125Val; c.463A>G, p.Met155Val (NM_000402.4); c.373A>G, p.Met125Val (NM_001042351.3); short protein forms M125V, M155V.
Identifiers: ClinVar variation 3380763 (VCV003380763.1).

ClinVar aggregate classification (germline): Uncertain significance (1 of 4 stars; one submission).

Submission:

Mayo Clinic Laboratories, Mayo Clinic
Classification: Uncertain significance. Last evaluated: 2024-06-17. Review status: criteria provided, single submitter. Criteria: ACMG Guidelines, 2015. Collection method: clinical testing. Allele origin: germline. Observed: 1 variant allele.
Comment: PM2_moderate